The following is an entry in ClinVar:

ClinVar aggregate classification (germline): no classifications from unflagged records (0 of 4 stars; one submission).

Conditions:
Autosomal dominant limb-girdle muscular dystrophy type 1F (LGMDD2). Also called: Limb-girdle muscular dystrophy, type 1F; MUSCULAR DYSTROPHY, LIMB-GIRDLE, AUTOSOMAL DOMINANT 2. Identifiers: Orphanet 55595, MedGen C1842062, MONDO:0012034, OMIM 608423.

Submission:

Labcorp Genetics (formerly Invitae), Labcorp
Classification: Uncertain significance for Autosomal dominant limb-girdle muscular dystrophy type 1F. Last evaluated: 2023-02-25. Review status: flagged submission. Criteria: Invitae Variant Classification Sherloc (09022015). Collection method: clinical testing. Allele origin: unknown.
Comment: A gross deletion of the genomic region encompassing the full coding sequence of the TNPO3 gene has been identified. The current clinical and genetic evidence is not sufficient to establish whether loss-of-function variants in TNPO3 cause disease. The boundaries of this event are unknown as they extend beyond the assayed region for this gene and therefore may encompass additional genes. This variant has not been reported in the literature in individuals affected with TNPO3-related conditions. In summary, the available evidence is currently insufficient to determine the role of this variant in disease. Therefore, it has been classified as a Variant of Uncertain Significance.
ClinVar note: Notes: This submission was flagged because its interpretation of this variant conflicts with the ClinGen Gene Dosage Map curation for the gene FLNC.
ClinVar note: Reason: Conflict with ClinGen Gene Dosage Map

NC_000007.13:g.(?_128388409)_(128694824_?)del

Genes: ATP6V1F (ATPase H+ transporting V1 subunit F; plus strand), CALU (calumenin; plus strand), CCDC136 (coiled-coil domain containing 136; plus strand), FLNC (filamin C; plus strand), IRF5 (interferon regulatory factor 5; plus strand) and 3 more. Cytogenetic location: 7q32.1.
Variant type: Deletion.
Identifiers: ClinVar variation 3245743 (VCV003245743.1).